The following is an entry in ClinVar:

NM_000130.5(F5):c.2833G>A (p.Gly945Arg)

Gene: F5 (coagulation factor V; minus strand). Cytogenetic location: 1q24.2.
Variant type: single nucleotide variant.
Coding change: c.2833G>A on transcript NM_000130.5 (MANE Select); coding-DNA position 2833, G replaced by A.
Protein change: p.Gly945Arg; replaces glycine 945 with arginine.
Molecular consequence: missense variant.
Genome position (GRCh38, 1-based): chr1:169,542,257, C>T on the plus strand (G>A on the coding strand, the complement: F5 is on the minus strand). VCF-style: chr1-169542257-C-T. GRCh37 (hg19) VCF-style: chr1-169511495-C-T.
Other names: short protein forms G945R.
Identifiers: ClinVar variation 1699600 (VCV001699600.2), dbSNP rs868740297, ClinGen allele CA32385481.
Genomic context (GRCh38, chr1:169,542,257, plus strand): 5'-CTTCATCAGTATCTTGGATTATTTCATAGCTACCTTTCTCAGAAGCCAAATGCCATCTCC[C>T]AACCAAAATCTTAGATGAGTTACTTTGTTTTAAGAGTAACAGATCACTAGGAGGGTCCTT-3'
Protein context (NP_000121.2, residues 935-955): KQSNSSKILV[Gly945Arg]RWHLASEKGS

ClinVar aggregate classification (germline): Uncertain significance (1 of 4 stars; one submission).

Allele frequency attached by ClinVar (database versions not stated): TOPMed below 0.00001.

Submission:

GeneDx
Classification: Uncertain significance. Last evaluated: 2022-01-27. Review status: criteria provided, single submitter. Criteria: GeneDx Variant Classification Process June 2021. Collection method: clinical testing. Allele origin: germline. Affected: yes.
Comment: Not observed at significant frequency in large population cohorts (gnomAD); In silico analysis supports that this missense variant has a deleterious effect on protein structure/function; Has not been previously published as pathogenic or benign to our knowledge